The following is an entry in ClinVar:

NM_001184.4(ATR):c.4516C>A (p.Leu1506Ile)

Gene: ATR (ATR checkpoint kinase; minus strand). Cytogenetic location: 3q23.
Variant type: single nucleotide variant.
Coding change: c.4516C>A on transcript NM_001184.4 (MANE Select); coding-DNA position 4516, C replaced by A.
Protein change: p.Leu1506Ile; replaces leucine 1506 with isoleucine.
Molecular consequence: missense variant.
Genome position (GRCh38, 1-based): chr3:142,513,626, G>T on the plus strand (C>A on the coding strand, the complement: ATR is on the minus strand). VCF-style: chr3-142513626-G-T. GRCh37 (hg19) VCF-style: chr3-142232468-G-T.
Other names: c.4324C>A, p.Leu1442Ile (NM_001354579.2); short protein forms L1506I, L1442I.
Identifiers: ClinVar variation 942015 (VCV000942015.9), dbSNP rs2032704685, ClinGen allele CA354797160.
Genomic context (GRCh38, chr3:142,513,626, plus strand): 5'-TGGTCACTTTGAAATCATGCTTCATCATAATGCTACAGCAGGTGAAAATTTTACTGGCAA[G>T]ATCATGTCGAACCTGTAAATGCAAAATGTGTAGACAGTAACACACTTTCACATATTGATT-3'
Protein context (NP_001175.2, residues 1496-1516): GYLITKVRHD[Leu1506Ile]ASKIFTCCSI

ClinVar aggregate classification (germline): Uncertain significance (1 of 4 stars; one submission).

Submission:

Labcorp Genetics (formerly Invitae), Labcorp
Classification: Uncertain significance. Last evaluated: 2019-09-16. Review status: criteria provided, single submitter. Criteria: Invitae Variant Classification Sherloc (09022015). Collection method: clinical testing. Allele origin: germline.
Comment: In summary, the available evidence is currently insufficient to determine the role of this variant in disease. Therefore, it has been classified as a Variant of Uncertain Significance. Algorithms developed to predict the effect of missense changes on protein structure and function are either unavailable or do not agree on the potential impact of this missense change (SIFT: "Tolerated"; PolyPhen-2: "Possibly Damaging"; Align-GVGD: "Class C0"). This variant has not been reported in the literature in individuals with ATR-related conditions. This variant is not present in population databases (ExAC no frequency). This sequence change replaces leucine with isoleucine at codon 1506 of the ATR protein (p.Leu1506Ile). The leucine residue is moderately conserved and there is a small physicochemical difference between leucine and isoleucine.